The following is an entry in ClinVar:

ClinVar aggregate classification (germline): Uncertain significance. Review status: criteria provided, multiple submitters, no conflicts (2 of 4 stars). 2 submissions from 2 submitters: Uncertain significance (2). Last evaluated 2025-03-27.

Allele frequency attached by ClinVar (database versions not stated): gnomAD exomes 0.00002; ExAC 0.00005; TOPMed 0.00005; ESP Exome Variant Server 0.00008; gnomAD 0.00008; 1000 Genomes Project 0.00020; 1000 Genomes Project 30x 0.00031.
gnomAD v4.1: 42 of 1,614,180 alleles (0.0026%); highest among the groups gnomAD compares: African/African-American, 0.012%; no homozygotes.

Submissions (2):

Ambry Genetics
Classification: Uncertain significance. Last evaluated: 2025-03-27. Review status: criteria provided, single submitter. Criteria: Ambry Variant Classification Scheme 2023. Collection method: clinical testing. Allele origin: germline.

Labcorp Genetics (formerly Invitae), Labcorp
Classification: Uncertain significance. Last evaluated: 2022-04-24. Review status: criteria provided, single submitter. Criteria: Invitae Variant Classification Sherloc (09022015). Collection method: clinical testing. Allele origin: germline.
Comment: This sequence change replaces glutamic acid, which is acidic and polar, with lysine, which is basic and polar, at codon 352 of the KRT85 protein (p.Glu352Lys). This variant is present in population databases (rs370478744, gnomAD 0.03%). In summary, the available evidence is currently insufficient to determine the role of this variant in disease. Therefore, it has been classified as a Variant of Uncertain Significance. Algorithms developed to predict the effect of missense changes on protein structure and function (SIFT, PolyPhen-2, Align-GVGD) all suggest that this variant is likely to be disruptive. This variant has not been reported in the literature in individuals affected with KRT85-related conditions.

NM_002283.4(KRT85):c.1054G>A (p.Glu352Lys)

Gene: KRT85 (keratin 85; minus strand). Cytogenetic location: 12q13.13.
Variant type: single nucleotide variant.
Coding change: c.1054G>A on transcript NM_002283.4 (MANE Select); coding-DNA position 1054, G replaced by A.
Protein change: p.Glu352Lys; replaces glutamic acid 352 with lysine.
Molecular consequence: missense variant.
Genome position (GRCh38, 1-based): chr12:52,362,877, C>T on the plus strand (G>A on the coding strand, the complement: KRT85 is on the minus strand). VCF-style: chr12-52362877-C-T. GRCh37 (hg19) VCF-style: chr12-52756661-C-T.
Other names: c.418G>A, p.Glu140Lys (NM_001300810.1); c.1054G>A (NM_002283.3); short protein forms E140K, E352K.
Identifiers: ClinVar variation 2178418 (VCV002178418.5), dbSNP rs370478744, ClinGen allele CA6578040.
Genomic context (GRCh38, chr12:52,362,877, plus strand): 5'-GCCTGTGCTGCGTATTTGAATCCTCCACAGACCCCACCTGGCACTTGGCATTCTCAATCT[C>T]GGCCGTCAGCCTCTGGATCATGCGGTTCAGCTCGTTGATCTCCTCCTTGGTGCGGCGCAG-3'
Protein context (NP_002274.1, residues 342-362): LNRMIQRLTA[Glu352Lys]IENAKCQRAK